The following is an entry in ClinVar:

NM_004364.5(CEBPA):c.730G>T (p.Ala244Ser)

Gene: CEBPA (CCAAT enhancer binding protein alpha; minus strand). Cytogenetic location: 19q13.11.
Variant type: single nucleotide variant.
Coding change: c.730G>T on transcript NM_004364.5 (MANE Select); coding-DNA position 730, G replaced by T.
Protein change: p.Ala244Ser; replaces alanine 244 with serine.
Molecular consequence: missense variant.
Genome position (GRCh38, 1-based): chr19:33,301,685, C>A on the plus strand (G>T on the coding strand, the complement: CEBPA is on the minus strand). VCF-style: chr19-33301685-C-A. GRCh37 (hg19) VCF-style: chr19-33792591-C-A.
Other names: c.373G>T, p.Ala125Ser (NM_001285829.2); c.835G>T, p.Ala279Ser (NM_001287424.2); c.688G>T, p.Ala230Ser (NM_001287435.2); short protein forms A125S, A230S, A279S, A244S.
Identifiers: ClinVar variation 5034296 (VCV005034296.1).

ClinVar aggregate classification (germline): Uncertain significance (1 of 4 stars; one submission).

Conditions:
Inborn genetic diseases. Identifiers: MedGen C0950123, MeSH D030342.

Submission:

Ambry Genetics
Classification: Uncertain significance for Inborn genetic diseases. Last evaluated: 2026-07-07. Review status: criteria provided, single submitter. Criteria: Ambry Variant Classification Scheme 2023. Collection method: clinical testing. Allele origin: germline.
Comment: The p.A244S variant (also known as c.730G>T), located in coding exon 1 of the CEBPA gene, results from a G to T substitution at nucleotide position 730. The alanine at codon 244 is replaced by serine, an amino acid with similar properties. This amino acid position is conserved. In addition, this alteration is predicted to be tolerated by in silico analysis. Based on the available evidence, the clinical significance of this variant remains unclear.